The following is an entry in ClinVar:

NM_001172560.3(SSTR5):c.142C>A (p.Leu48Met)

Gene: SSTR5 (somatostatin receptor 5; plus strand). Cytogenetic location: 16p13.3.
Variant type: single nucleotide variant.
Coding change: c.142C>A on transcript NM_001172560.3 (MANE Select); coding-DNA position 142, C replaced by A.
Protein change: p.Leu48Met; replaces leucine 48 with methionine.
Molecular consequence: missense variant.
Genome position (GRCh38, 1-based): chr16:1,079,010, C>A. VCF-style: chr16-1079010-C-A. GRCh37 (hg19) VCF-style: chr16-1129010-C-A.
Other names: c.142C>A, p.Leu48Met (NM_001053.4); short protein forms L48M.
Identifiers: ClinVar variation 1224021 (VCV001224021.4), dbSNP rs4988483, ClinGen allele CA7798635.

ClinVar aggregate classification (germline): Benign. Review status: criteria provided, multiple submitters, no conflicts (2 of 4 stars). 2 submissions from 2 submitters: Benign (2). Last evaluated 2020-10-01.

Allele frequency attached by ClinVar (database versions not stated): 1000 Genomes Project 30x 0.02108; 1000 Genomes Project 0.02137; gnomAD 0.03646 and 0.03744; gnomAD exomes 0.03739; TOPMed 0.03768; ESP Exome Variant Server 0.04023; ExAC 0.05283.
gnomAD v4.1: 78,290 of 1,601,838 alleles (4.9%); highest among the groups gnomAD compares: Middle Eastern, 5.9%; 2,199 homozygotes.

Submissions (2):

GeneDx
Classification: Benign. Last evaluated: 2020-10-01. Review status: criteria provided, single submitter. Criteria: GeneDx Variant Classification Process June 2021. Collection method: clinical testing. Allele origin: germline. Affected: yes.
Comment: This variant is associated with the following publications: (PMID: 12192619, 21744088, 19423539, 21692047)

Breakthrough Genomics
Classification: Benign. Review status: criteria provided, single submitter. Criteria: ACMG Guidelines, 2015. Collection method: not provided. Allele origin: germline. Inheritance: Unknown mechanism. Affected: yes.